The following is an entry in ClinVar:

NM_001033855.3(DCLRE1C):c.714G>A (p.Met238Ile)

Gene: DCLRE1C (DNA cross-link repair 1C; minus strand). Cytogenetic location: 10p13.
Variant type: single nucleotide variant.
Coding change: c.714G>A on transcript NM_001033855.3 (MANE Select); coding-DNA position 714, G replaced by A.
Protein change: p.Met238Ile; replaces methionine 238 with isoleucine.
Molecular consequence: missense variant. On other transcripts: non-coding transcript variant (4).
Genome position (GRCh38, 1-based): chr10:14,932,920, C>T on the plus strand (G>A on the coding strand, the complement: DCLRE1C is on the minus strand). VCF-style: chr10-14932920-C-T. GRCh37 (hg19) VCF-style: chr10-14974919-C-T.
Other names: c.354G>A, p.Met118Ile (NM_001033857.3, NM_001033858.3, NM_001289077.2 and 2 more transcripts); c.369G>A, p.Met123Ile (NM_001289076.2, NM_001289078.2, NM_001350966.2 and 1 more transcripts); c.714G>A, p.Met238Ile (NM_001350965.2); short protein forms M123I, M238I, M118I.
Identifiers: ClinVar variation 4711037 (VCV004711037.1).

ClinVar aggregate classification (germline): Uncertain significance (1 of 4 stars; one submission).

Conditions:
Severe combined immunodeficiency due to DCLRE1C deficiency (RS-SCID). Also called: SCID, AUTOSOMAL RECESSIVE, T CELL-NEGATIVE, B CELL-NEGATIVE, NK CELL-POSITIVE, WITH SENSITIVITY TO IONIZING RADIATION. Identifiers: Orphanet 275, MedGen C1865371, MONDO:0011225, OMIM 602450.

gnomAD v4.1: 6 of 1,614,194 alleles (0.00037%); highest among the groups gnomAD compares: East Asian, 0.0022%; no homozygotes.

Submission:

Labcorp Genetics (formerly Invitae), Labcorp
Classification: Uncertain significance for Athabaskan severe combined immunodeficiency. Last evaluated: 2025-04-21. Review status: criteria provided, single submitter. Criteria: Invitae Variant Classification Sherloc (09022015). Collection method: clinical testing. Allele origin: germline.
Comment: This sequence change replaces methionine, which is neutral and non-polar, with isoleucine, which is neutral and non-polar, at codon 238 of the DCLRE1C protein (p.Met238Ile). This variant is present in population databases (rs114825716, gnomAD 0.006%). This variant has not been reported in the literature in individuals affected with DCLRE1C-related conditions. Invitae Evidence Modeling of protein sequence and biophysical properties (such as structural, functional, and spatial information, amino acid conservation, physicochemical variation, residue mobility, and thermodynamic stability) indicates that this missense variant is not expected to disrupt DCLRE1C protein function with a negative predictive value of 80%. In summary, the available evidence is currently insufficient to determine the role of this variant in disease. Therefore, it has been classified as a Variant of Uncertain Significance.